The following is an entry in ClinVar:

ClinVar aggregate classification (germline): Conflicting classifications of pathogenicity. Review status: criteria provided, conflicting classifications (1 of 4 stars). 7 submissions from 3 submitters: Uncertain significance (5); Benign (2). Last evaluated 2026-06-01.

Conditions:
Myopathy, myofibrillar, 9, with early respiratory failure (MFM9). Also called: Myopathy, distal, with early respiratory failure, autosomal dominant; Hereditary myopathy with early respiratory failure; MYOPATHY, PROXIMAL, WITH EARLY RESPIRATORY MUSCLE INVOLVEMENT; EDSTROM MYOPATHY. Identifiers: Orphanet 178464, Orphanet 34521, MedGen C1863599, MONDO:0011362, OMIM 603689.
Early-onset myopathy with fatal cardiomyopathy (CMYO5). Also called: CONGENITAL MYOPATHY 5 WITH CARDIOMYOPATHY; Salih Myopathy. Identifiers: Orphanet 289377, MedGen C2673677, MONDO:0012714, OMIM 611705. Disease mechanism: loss of function.
Autosomal recessive limb-girdle muscular dystrophy type 2J (LGMDR10). Also called: Limb-girdle muscular dystrophy, type 2J; MUSCULAR DYSTROPHY, LIMB-GIRDLE, AUTOSOMAL RECESSIVE 10. Identifiers: Orphanet 140922, MedGen C1837342, MONDO:0012127, OMIM 608807.
Tibial muscular dystrophy (TMD). Also called: Udd Distal Myopathy – Tibial Muscular Dystrophy; Tibial muscular dystrophy, tardive; UDD MYOPATHY. Identifiers: Orphanet 609, MedGen C1838244, MONDO:0010870, OMIM 600334.
Dilated cardiomyopathy 1G (CMD1G). Identifiers: Orphanet 154, MedGen C1858763, MONDO:0011400, OMIM 604145.

Allele frequency attached by ClinVar (database versions not stated): gnomAD 0.00001 and 0.00002; ExAC 0.00003; gnomAD exomes 0.00004; TOPMed 0.00005; 1000 Genomes Project 30x 0.00016; 1000 Genomes Project 0.00020.
gnomAD v4.1: 22 of 1,613,304 alleles (0.0014%); highest among the groups gnomAD compares: East Asian, 0.018%; no homozygotes.

Submissions (7):

CeGaT Center for Human Genetics Tuebingen
Classification: Uncertain significance. Last evaluated: 2026-06-01. Review status: criteria provided, single submitter. Criteria: CeGaT Center For Human Genetics Tuebingen Variant Classification Criteria Version 2. Collection method: clinical testing. Allele origin: germline. Affected: yes. Observed: 1 variant allele.
Comment: TTN: PM2, BP4

Illumina Laboratory Services, Illumina
Classification: Uncertain significance for Autosomal recessive limb-girdle muscular dystrophy type 2J. Last evaluated: 2018-01-12. Review status: criteria provided, single submitter. Criteria: ICSL Variant Classification Criteria 13 December 2019. Collection method: clinical testing. Allele origin: germline.

Illumina Laboratory Services, Illumina
Classification: Uncertain significance for Early-onset myopathy with fatal cardiomyopathy. Last evaluated: 2018-01-12. Review status: criteria provided, single submitter. Criteria: ICSL Variant Classification Criteria 13 December 2019. Collection method: clinical testing. Allele origin: germline.

Illumina Laboratory Services, Illumina
Classification: Benign for Myopathy, myofibrillar, 9, with early respiratory failure. Last evaluated: 2018-01-12. Review status: criteria provided, single submitter. Criteria: ICSL Variant Classification Criteria 13 December 2019. Collection method: clinical testing. Allele origin: germline.
Comment: This variant was observed in the ICSL laboratory as part of a predisposition screen in an ostensibly healthy population. It had not been previously curated by ICSL or reported in the Human Gene Mutation Database (HGMD: prior to June 1st, 2018), and was therefore a candidate for classification through an automated scoring system. Utilizing variant allele frequency, disease prevalence and penetrance estimates, and inheritance mode, an automated score was calculated to assess if this variant is too frequent to cause the disease. Based on the score and internal cut-off values, a variant classified as benign is not then subjected to further curation. The score for this variant resulted in a classification of benign for this disease.

Illumina Laboratory Services, Illumina
Classification: Benign for Tibial muscular dystrophy. Last evaluated: 2018-01-12. Review status: criteria provided, single submitter. Criteria: ICSL Variant Classification Criteria 13 December 2019. Collection method: clinical testing. Allele origin: germline.
Comment: the same text as in the submission from Illumina Laboratory Services, Illumina above.

Illumina Laboratory Services, Illumina
Classification: Uncertain significance for Dilated cardiomyopathy 1G. Last evaluated: 2018-01-12. Review status: criteria provided, single submitter. Criteria: ICSL Variant Classification Criteria 13 December 2019. Collection method: clinical testing. Allele origin: germline.

Eurofins Ntd Llc (ga)
Classification: Uncertain significance. Last evaluated: 2017-05-25. Review status: criteria provided, single submitter. Criteria: EGL Classification Definitions 2015. Collection method: clinical testing. Allele origin: germline. Observed: 1 variant allele, 1 heterozygote.

NM_001267550.2(TTN):c.83351C>T (p.Thr27784Met)

Genes: TTN (titin; minus strand), TTN-AS1 (TTN antisense RNA 1; plus strand). Cytogenetic location: 2q31.2.
Variant type: single nucleotide variant.
Coding change: c.83351C>T on transcript NM_001267550.2 (MANE Select); coding-DNA position 83351, C replaced by T.
Protein change: p.Thr27784Met; replaces threonine 27784 with methionine.
Molecular consequence: missense variant.
Genome position (GRCh38, 1-based): chr2:178,562,781, G>A on the plus strand (C>T on the coding strand, the complement: TTN is on the minus strand). VCF-style: chr2-178562781-G-A. GRCh37 (hg19) VCF-style: chr2-179427508-G-A.
Other names: c.78428C>T, p.Thr26143Met (NM_001256850.1); c.56156C>T, p.Thr18719Met (NM_003319.4); c.75647C>T, p.Thr25216Met (NM_133378.4); c.56531C>T, p.Thr18844Met (NM_133432.3); c.56732C>T, p.Thr18911Met (NM_133437.4); short protein forms T25216M, T27784M, T18719M, T18911M, T26143M, T18844M.
Identifiers: ClinVar variation 502205 (VCV000502205.11), dbSNP rs140879454, ClinGen allele CA1988932.